The following is an entry in ClinVar:

ClinVar aggregate classification (germline): Pathogenic (1 of 4 stars; one submission).

Submission:

Labcorp Genetics (formerly Invitae), Labcorp
Classification: Pathogenic. Last evaluated: 2024-05-20. Review status: criteria provided, single submitter. Criteria: Invitae Variant Classification Sherloc (09022015). Collection method: clinical testing. Allele origin: germline.
Comment: This sequence change creates a premature translational stop signal (p.Leu547Serfs*9) in the SLC12A6 gene. It is expected to result in an absent or disrupted protein product. Loss-of-function variants in SLC12A6 are known to be pathogenic (PMID: 12368912, 16606917). This variant is not present in population databases (gnomAD no frequency). This variant has not been reported in the literature in individuals affected with SLC12A6-related conditions. ClinVar contains an entry for this variant (Variation ID: 1367443). For these reasons, this variant has been classified as Pathogenic.

Literature cited by the submitters: PubMed 12368912; PubMed 16606917.

NM_001365088.1(SLC12A6):c.1639del (p.Leu547fs)

Gene: SLC12A6 (solute carrier family 12 member 6; minus strand). Cytogenetic location: 15q14.
Variant type: Deletion.
Coding change: c.1639del on transcript NM_001365088.1 (MANE Select); coding-DNA position 1639, one base deleted (C; older notation c.1639delC).
Protein change: p.Leu547fs; shifts the reading frame from leucine 547.
Molecular consequence: frameshift variant.
Genome position (GRCh38, 1-based): chr15:34,250,308, G deleted on the plus strand (C on the coding strand, the reverse complement: SLC12A6 is on the minus strand). VCF-style (leftmost placement, unchanged base first): chr15-34250307-AG-A. GRCh37 (hg19) VCF-style: chr15-34542508-AG-A.
Other names: c.1462del, p.Leu488fs (NM_001042494.2, NM_001042495.2); c.1612del, p.Leu538fs (NM_001042496.2); c.1594del, p.Leu532fs (NM_001042497.2); c.1486del, p.Leu496fs (NM_005135.2); c.1639del, p.Leu547fs (NM_133647.2); short protein forms L488fs, L496fs, L532fs, L538fs, L547fs.
Identifiers: ClinVar variation 1367443 (VCV001367443.6), dbSNP rs2140724562, ClinGen allele CA2573150608.